The following is an entry in ClinVar:

ClinVar aggregate classification (germline): Uncertain significance (1 of 4 stars; one submission).

Conditions:
Cardiovascular phenotype. Identifiers: MedGen CN230736.

Submission:

Ambry Genetics
Classification: Uncertain significance for Cardiovascular phenotype. Last evaluated: 2021-12-03. Review status: criteria provided, single submitter. Criteria: Ambry Variant Classification Scheme 2023. Collection method: clinical testing. Allele origin: germline.
Comment: The p.L3270V variant (also known as c.9808C>G), located in coding exon 41 of the AKAP9 gene, results from a C to G substitution at nucleotide position 9808. The leucine at codon 3270 is replaced by valine, an amino acid with highly similar properties. This amino acid position is conserved. In addition, this alteration is predicted to be tolerated by in silico analysis. Since supporting evidence is limited at this time, the clinical significance of this alteration remains unclear.

NM_005751.5(AKAP9):c.9808C>G (p.Leu3270Val)

Gene: AKAP9 (A-kinase anchoring protein 9; plus strand). Cytogenetic location: 7q21.2.
Variant type: single nucleotide variant.
Coding change: c.9808C>G on transcript NM_005751.5 (MANE Select); coding-DNA position 9808, C replaced by G.
Protein change: p.Leu3270Val; replaces leucine 3270 with valine.
Molecular consequence: missense variant.
Genome position (GRCh38, 1-based): chr7:92,096,767, C>G. VCF-style: chr7-92096767-C-G. GRCh37 (hg19) VCF-style: chr7-91726081-C-G.
Other names: c.4453C>G, p.Leu1485Val (NM_001379277.1); c.9784C>G, p.Leu3262Val (NM_147185.3); short protein forms L3262V, L3270V, L1485V.
Identifiers: ClinVar variation 1768272 (VCV001768272.2), dbSNP rs2535299340, ClinGen allele CA368151503.
Genomic context (GRCh38, chr7:92,096,767, plus strand): 5'-GAGAGTCAGAAACAAAGGAATCTTCAGCTAAATCTACTTTTGGAACAACAGAAACAACTA[C>G]TGAACGAATCCCAGCAAAAAATAGAATCACAGAGAATGCTATATGATGCCCAGTTGTCAG-3'
Protein context (NP_005742.4, residues 3260-3280): NLLLEQQKQL[Leu3270Val]NESQQKIESQ